The following is an entry in ClinVar:

ClinVar aggregate classification (germline): Uncertain significance (1 of 4 stars; one submission).

Conditions:
Combined immunodeficiency due to DOCK8 deficiency (HIES2). Also called: HYPER-IgE SYNDROME 2, AUTOSOMAL RECESSIVE, WITH RECURRENT INFECTIONS; HIES autosomal recessive; DOCK8 Deficiency; Hyper-IgE recurrent infection syndrome, autosomal recessive; HYPER-IgE RECURRENT INFECTION SYNDROME 2, AUTOSOMAL RECESSIVE. Identifiers: Orphanet 217390, MedGen C4722305, MONDO:0009478, OMIM 243700.

gnomAD v4.1: 1 of 1,614,146 alleles (0.000062%); no homozygotes.

Submission:

Labcorp Genetics (formerly Invitae), Labcorp
Classification: Uncertain significance for Combined immunodeficiency due to DOCK8 deficiency. Last evaluated: 2022-08-22. Review status: criteria provided, single submitter. Criteria: Invitae Variant Classification Sherloc (09022015). Collection method: clinical testing. Allele origin: germline.
Comment: This sequence change replaces glutamic acid, which is acidic and polar, with lysine, which is basic and polar, at codon 1938 of the DOCK8 protein (p.Glu1938Lys). This variant is not present in population databases (gnomAD no frequency). This variant has not been reported in the literature in individuals affected with DOCK8-related conditions. Algorithms developed to predict the effect of missense changes on protein structure and function are either unavailable or do not agree on the potential impact of this missense change (SIFT: "Tolerated"; PolyPhen-2: "Probably Damaging"; Align-GVGD: "Class C0"). In summary, the available evidence is currently insufficient to determine the role of this variant in disease. Therefore, it has been classified as a Variant of Uncertain Significance.

NM_203447.4(DOCK8):c.5812G>A (p.Glu1938Lys)

Gene: DOCK8 (dedicator of cytokinesis 8; plus strand). Cytogenetic location: 9p24.3.
Variant type: single nucleotide variant.
Coding change: c.5812G>A on transcript NM_203447.4 (MANE Select); coding-DNA position 5812, G replaced by A.
Protein change: p.Glu1938Lys; replaces glutamic acid 1938 with lysine.
Molecular consequence: missense variant.
Genome position (GRCh38, 1-based): chr9:446,601, G>A. VCF-style: chr9-446601-G-A. GRCh37 (hg19) VCF-style: chr9-446601-G-A.
Other names: c.5512G>A, p.Glu1838Lys (NM_001190458.2); c.5608G>A, p.Glu1870Lys (NM_001193536.2); short protein forms E1938K, E1838K, E1870K.
Identifiers: ClinVar variation 1902969 (VCV001902969.2), dbSNP rs1229058744, ClinGen allele CA372769265.